The following is an entry in ClinVar:

ClinVar aggregate classification (germline): Uncertain significance (1 of 4 stars; one submission).

Conditions:
Familial thoracic aortic aneurysm and aortic dissection (TAAD). Also called: Thoracic aortic aneurysms and dissections. Identifiers: Orphanet 91387, MedGen C4707243, MONDO:0019625.

Submission:

All of Us Research Program, National Institutes of Health
Classification: Uncertain significance for Familial thoracic aortic aneurysm and aortic dissection. Last evaluated: 2023-05-31. Review status: criteria provided, single submitter. Criteria: ACMG Guidelines, 2015. Collection method: clinical testing. Allele origin: germline. Inheritance: Autosomal dominant inheritance. Observed: 1 variant allele, 1 heterozygote.
Comment: This study involves interpretation of variants in research participants for the purpose of population health screening. Participant phenotype was not available at the time of variant classification. Additional details can be found in publication PMID: 35346344, PMCID: PMC8962531

NM_002474.3(MYH11):c.3976G>C (p.Glu1326Gln)

Genes: NDE1 (nudE neurodevelopment protein 1; plus strand), MYH11 (myosin heavy chain 11; minus strand). Cytogenetic location: 16p13.11.
Variant type: single nucleotide variant.
Coding change: c.3976G>C on transcript NM_002474.3 (MANE Select); coding-DNA position 3976, G replaced by C.
Protein change: p.Glu1326Gln; replaces glutamic acid 1326 with glutamine.
Molecular consequence: missense variant. On other transcripts: 3 prime UTR variant (2).
Genome position (GRCh38, 1-based): chr16:15,724,787, C>G on the plus strand (G>C on the coding strand, the complement: MYH11 is on the minus strand). VCF-style: chr16-15724787-C-G. GRCh37 (hg19) VCF-style: chr16-15818644-C-G.
Other names: c.3997G>C, p.Glu1333Gln (NM_001040113.2, NM_001040114.2); c.3976G>C, p.Glu1326Gln (NM_022844.3); c.*536C>G (NM_001143979.2, NM_017668.3); short protein forms E1326Q, E1333Q.
Identifiers: ClinVar variation 3071412 (VCV003071412.1), dbSNP rs1193183750, ClinGen allele CA394858672.
Genomic context (GRCh38, chr16:15,724,787, plus strand): 5'-TCCGCTCCTCCTCCAGCTGGCGCAGCTTCGTAGACACGTTGAGCTTCTGCCGGGTTTCTT[C>G]TTGAAGCAGCTCCTGCAAAAGGGATGCAAAGAGGTCCCAGGGACCTGCCCCGAGGAAGGC-3'
Protein context (NP_002465.1, residues 1316-1336): QLQDTQELLQ[Glu1326Gln]ETRQKLNVST